The following is an entry in ClinVar:

ClinVar aggregate classification (germline): Likely benign. Review status: criteria provided, multiple submitters, no conflicts (2 of 4 stars). 2 submissions from 2 submitters: Likely benign (2). Last evaluated 2022-09-02.

gnomAD v4.1: 1 of 1,614,202 alleles (0.000062%); highest among the groups gnomAD compares: East Asian, 0.0022%; no homozygotes.

Submissions (2):

Blueprint Genetics
Classification: Likely benign. Last evaluated: 2022-09-02. Review status: criteria provided, single submitter. Criteria: ACMG Guidelines, 2015. Collection method: clinical testing. Allele origin: germline.

CeGaT Center for Human Genetics Tuebingen
Classification: Likely benign. Last evaluated: 2022-08-01. Review status: criteria provided, single submitter. Criteria: CeGaT Center For Human Genetics Tuebingen Variant Classification Criteria Version 2. Collection method: clinical testing. Allele origin: germline. Affected: yes. Observed: 1 variant allele.
Comment: SLC12A5: BP4, BP7

NM_020708.5(SLC12A5):c.1611C>T (p.Ala537=)

Gene: SLC12A5 (solute carrier family 12 member 5; plus strand). Cytogenetic location: 20q13.12.
Variant type: single nucleotide variant.
Coding change: c.1611C>T on transcript NM_020708.5 (MANE Select); coding-DNA position 1611, C replaced by T.
Protein change: p.Ala537=; no amino-acid change (alanine 537 retained).
Molecular consequence: synonymous variant.
Genome position (GRCh38, 1-based): chr20:46,045,919, C>T. VCF-style: chr20-46045919-C-T. GRCh37 (hg19) VCF-style: chr20-44674558-C-T.
Other names: c.1680C>T, p.Ala560= (NM_001134771.2).
Identifiers: ClinVar variation 2652360 (VCV002652360.25), dbSNP rs1410597763, ClinGen allele CA510651786.